The following is an entry in ClinVar:

ClinVar aggregate classification (germline): Uncertain significance (1 of 4 stars; one submission).

Conditions:
Glycogen storage disease IXd (GSD9D). Also called: GSD IXd; Muscle Phosphorylase Kinase Deficiency. Identifiers: Orphanet 715, MedGen C1845151, MONDO:0010362, OMIM 300559.

gnomAD v4.1: 2 of 1,189,459 alleles (0.00017%); no homozygotes.

Submission:

Labcorp Genetics (formerly Invitae), Labcorp
Classification: Uncertain significance for Glycogen storage disease IXd. Last evaluated: 2024-05-25. Review status: criteria provided, single submitter. Criteria: Invitae Variant Classification Sherloc (09022015). Collection method: clinical testing. Allele origin: germline.
Comment: This sequence change replaces proline, which is neutral and non-polar, with leucine, which is neutral and non-polar, at codon 870 of the PHKA1 protein (p.Pro870Leu). This variant is not present in population databases (gnomAD no frequency). This variant has not been reported in the literature in individuals affected with PHKA1-related conditions. An algorithm developed to predict the effect of missense changes on protein structure and function (PolyPhen-2) suggests that this variant is likely to be disruptive. In summary, the available evidence is currently insufficient to determine the role of this variant in disease. Therefore, it has been classified as a Variant of Uncertain Significance.

NM_002637.4(PHKA1):c.2609C>T (p.Pro870Leu)

Gene: PHKA1 (phosphorylase kinase regulatory subunit alpha 1; minus strand). Cytogenetic location: Xq13.1.
Variant type: single nucleotide variant.
Coding change: c.2609C>T on transcript NM_002637.4 (MANE Select); coding-DNA position 2609, C replaced by T.
Protein change: p.Pro870Leu; replaces proline 870 with leucine.
Molecular consequence: missense variant.
Genome position (GRCh38, 1-based): chrX:72,605,617, G>A on the plus strand (C>T on the coding strand, the complement: PHKA1 is on the minus strand). VCF-style: chrX-72605617-G-A. GRCh37 (hg19) VCF-style: chrX-71825467-G-A.
Other names: c.2609C>T, p.Pro870Leu (NM_001122670.2, NM_001431068.1); c.2432C>T, p.Pro811Leu (NM_001172436.2); short protein forms P811L, P870L.
Identifiers: ClinVar variation 3609719 (VCV003609719.2).